The following is an entry in ClinVar:

NM_006363.6(SEC23B):c.733CTT[1] (p.Leu246del)

Gene: SEC23B (SEC23 homolog B, COPII coat complex component; plus strand). Cytogenetic location: 20p11.23.
Variant type: Microsatellite.
Coding change: c.733CTT[1] on transcript NM_006363.6 (MANE Select); one copy of the 3-base unit CTT starting at c.733; the reference has two copies in a row; one copy, 3 bases deleted.
Protein change: p.Leu246del; deletes leucine 246.
Molecular consequence: inframe deletion.
Genome position (GRCh38, 1-based): chr20:18,525,834-18,525,836, CTT deleted; deleting any 3 consecutive bases within chr20:18,525,830-18,525,836 gives the same sequence; the position shown is the placement nearest the transcript's 3' end. VCF-style (leftmost placement, unchanged base first): chr20-18525829-ATCT-A. GRCh37 (hg19) VCF-style: chr20-18506473-ATCT-A.
Other names: p.Leu246del; c.733CTT[1], p.Leu246del (NM_001172745.3, NM_032985.6, NM_032986.5); c.679CTT[1], p.Leu228del (NM_001172746.3); c.736_738del (NM_001172745.3); short protein forms L228del, L246del.
Identifiers: ClinVar variation 2428716 (VCV002428716.4), dbSNP rs746666686, ClinGen allele CA312396024.

ClinVar aggregate classification (germline): Uncertain significance. Review status: criteria provided, multiple submitters, no conflicts (2 of 4 stars). 2 submissions from 2 submitters: Uncertain significance (2). Last evaluated 2023-08-08.

Submissions (2):

Mayo Clinic Laboratories, Mayo Clinic
Classification: Uncertain significance. Last evaluated: 2023-08-08. Review status: criteria provided, single submitter. Criteria: ACMG Guidelines, 2015. Collection method: clinical testing. Allele origin: germline. Observed: 1 variant allele.
Comment: PM2_moderate, PM3_supporting, PM4

ARUP Laboratories, Molecular Genetics and Genomics, ARUP Laboratories
Classification: Uncertain significance. Last evaluated: 2022-03-22. Review status: criteria provided, single submitter. Criteria: ARUP Molecular Germline Variant Investigation Process 2021. Collection method: clinical testing. Allele origin: germline.

Literature cited by the submitters: PubMed 27471141 (cited by Mayo Clinic Laboratories, Mayo Clinic).